The following is an entry in ClinVar:

ClinVar aggregate classification (germline): Pathogenic (1 of 4 stars; one submission).

Conditions:
Anophthalmia/microphthalmia-esophageal atresia syndrome (MCOPS3). Also called: MICROPHTHALMIA AND ESOPHAGEAL ATRESIA SYNDROME; AEG SYNDROME; SOX2 Disorder. Identifiers: Orphanet 77298, MedGen C1859773, MONDO:0008799, OMIM 206900.

Submission:

Labcorp Genetics (formerly Invitae), Labcorp
Classification: Pathogenic for Microphthalmia syndromic 3. Last evaluated: 2019-09-15. Review status: criteria provided, single submitter. Criteria: Invitae Variant Classification Sherloc (09022015). Collection method: clinical testing. Allele origin: germline.
Comment: A gross deletion of the genomic region encompassing the full coding sequence of the SOX2 gene has been identified. The boundaries of this event are unknown as the deletion extends beyond the assayed region for this gene and therefore may encompass additional genes. Similar variants have been observed in individuals affected with microphthalmia, anophthalmia, and/or other ocular abnormalities (PMID: 17522144, 23701296, 24804704). Loss-of-function variants in SOX2 are known to be pathogenic (PMID: 12612584, 19921648, 24033328). For these reasons, this variant has been classified as Pathogenic.

Literature cited by the submitters: PubMed 17522144; PubMed 24804704; PubMed 23701296.

NC_000003.12:g.(?_181712341)_(181874887_?)del

Genes: SOX2 (SRY-box transcription factor 2; plus strand), SOX2-OT (SOX2 overlapping transcript; plus strand), LOC123256955 (Sharpr-MPRA regulatory region 859; plus strand), LOC108281177 (SOX2 5' regulatory region; plus strand), LOC108281178 (SRR2 enhancer downstream of SOX2; plus strand). Cytogenetic location: 3q26.33.
Variant type: Deletion.
Identifiers: ClinVar variation 467820 (VCV000467820.2).